The following is an entry in ClinVar:

NM_000543.5(SMPD1):c.848C>T (p.Ala283Val)

Gene: SMPD1 (sphingomyelin phosphodiesterase 1; plus strand). Cytogenetic location: 11p15.4.
Variant type: single nucleotide variant.
Coding change: c.848C>T on transcript NM_000543.5 (MANE Select); coding-DNA position 848, C replaced by T.
Protein change: p.Ala283Val; replaces alanine 283 with valine.
Molecular consequence: missense variant. On other transcripts: 5 prime UTR variant (1), non-coding transcript variant (1).
Genome position (GRCh38, 1-based): chr11:6,391,913, C>T. VCF-style: chr11-6391913-C-T. GRCh37 (hg19) VCF-style: chr11-6413143-C-T.
Other names: c.845C>T, p.Ala282Val (NM_001007593.3); c.848C>T, p.Ala283Val (NM_001318087.2, NM_001365135.2); c.-114C>T (NM_001318088.2); short protein forms A282V, A283V.
Identifiers: ClinVar variation 5004789 (VCV005004789.1).

ClinVar aggregate classification (germline): Likely pathogenic (1 of 4 stars; one submission).

Conditions:
Acid sphingomyelinase deficiency. Identifiers: Orphanet 618899, MedGen C5243927, MONDO:0100464.

Submission:

Myriad Genetics, Inc.
Classification: Likely pathogenic for Acid sphingomyelinase deficiency. Last evaluated: 2026-08-27. Review status: criteria provided, single submitter. Criteria: Myriad Autosomal Dominant, Autosomal Recessive and X-Linked Classification Criteria (2023). Collection method: clinical testing. Allele origin: unknown.
Comment: NM_000543.4(SMPD1):c.848C>T(A283V) is a missense variant classified as likely pathogenic in the context of Niemann-Pick disease, SMPD1-related. A283V has been observed in a case with relevant disease (PMID: 40106870). Relevant functional assessments of this variant are not available in the literature. Internal structural analysis of the variant is supportive of pathogenicity. A283V has not been observed in referenced population frequency databases. In summary, NM_000543.4(SMPD1):c.848C>T(A283V) is a missense variant that has internal structural support for pathogenicity and has been observed more frequently in cases with the relevant disease than in healthy populations. Please note: this variant was assessed in the context of healthy population screening.

Literature cited by the submitters: PubMed 40106870.